The following is an entry in ClinVar:

ClinVar aggregate classification (germline): Benign (1 of 4 stars; one submission).

Conditions:
Werner syndrome (WRN). Identifiers: Orphanet 902, MedGen C0043119, MONDO:0010196, OMIM 277700.

Allele frequency attached by ClinVar (database versions not stated): gnomAD exomes 0.01493; 1000 Genomes Project 0.09125; gnomAD 0.09338 and 0.09853; 1000 Genomes Project 30x 0.09619; TOPMed 0.09875.

Submission:

Illumina Laboratory Services, Illumina
Classification: Benign for Werner syndrome. Last evaluated: 2018-01-13. Review status: criteria provided, single submitter. Criteria: ICSL Variant Classification Criteria 13 December 2019. Collection method: clinical testing. Allele origin: germline.
Comment: This variant was observed in the ICSL laboratory as part of a predisposition screen in an ostensibly healthy population. It had not been previously curated by ICSL or reported in the Human Gene Mutation Database (HGMD: prior to June 1st, 2018), and was therefore a candidate for classification through an automated scoring system. Utilizing variant allele frequency, disease prevalence and penetrance estimates, and inheritance mode, an automated score was calculated to assess if this variant is too frequent to cause the disease. Based on the score and internal cut-off values, a variant classified as benign is not then subjected to further curation. The score for this variant resulted in a classification of benign for this disease.

NM_000553.6(WRN):c.-213G>A

Gene: WRN (WRN RecQ like helicase; plus strand). Cytogenetic location: 8p12.
Variant type: single nucleotide variant.
Coding change: c.-213G>A on transcript NM_000553.6 (MANE Select); 213 bases upstream of the start codon, G replaced by A.
Molecular consequence: 5 prime UTR variant.
Genome position (GRCh38, 1-based): chr8:31,033,837, G>A. VCF-style: chr8-31033837-G-A. GRCh37 (hg19) VCF-style: chr8-30891353-G-A.
Identifiers: ClinVar variation 362789 (VCV000362789.5), dbSNP rs11574158, ClinGen allele CA10627614.
Genomic context (GRCh38, chr8:31,033,837, plus strand): 5'-AGGGGCGGGTCGGGTAGGTCTCCCGGAGCTGATGTGTACTGTGTGCGCCGGGGAGGCGCC[G>A]GCTTGTACTCGGCAGCGCGGGAATAAAGTTTGCTGATTTGGTGTCTAGCCTGGATGCCTG-3'